The following is an entry in ClinVar:

ClinVar aggregate classification (germline): Uncertain significance (1 of 4 stars; one submission).

Allele frequency attached by ClinVar (database versions not stated): gnomAD 0.00001; TOPMed 0.00002; ExAC 0.00003.
gnomAD v4.1: 29 of 1,565,884 alleles (0.0019%); highest among the groups gnomAD compares: East Asian, 0.0024%; no homozygotes.

Submission:

CeGaT Center for Human Genetics Tuebingen
Classification: Uncertain significance. Last evaluated: 2024-01-01. Review status: criteria provided, single submitter. Criteria: CeGaT Center For Human Genetics Tuebingen Variant Classification Criteria Version 2. Collection method: clinical testing. Allele origin: germline. Affected: yes. Observed: 1 variant allele.
Comment: FZD2: PP2

NM_001466.4(FZD2):c.481C>T (p.Pro161Ser)

Gene: FZD2 (frizzled class receptor 2; plus strand). Cytogenetic location: 17q21.31.
Variant type: single nucleotide variant.
Coding change: c.481C>T on transcript NM_001466.4 (MANE Select); coding-DNA position 481, C replaced by T.
Protein change: p.Pro161Ser; replaces proline 161 with serine.
Molecular consequence: missense variant.
Genome position (GRCh38, 1-based): chr17:44,558,169, C>T. VCF-style: chr17-44558169-C-T. GRCh37 (hg19) VCF-style: chr17-42635537-C-T.
Other names: short protein forms P161S.
Identifiers: ClinVar variation 3025896 (VCV003025896.22), dbSNP rs748334299, ClinGen allele CA8604658.
Genomic context (GRCh38, chr17:44,558,169, plus strand): 5'-TTCCCGCGCCACGGCGCCGAGCAGATCTGCGTCGGCCAGAACCACTCCGAGGACGGAGCT[C>T]CCGCGCTACTCACCACCGCGCCGCCGCCGGGACTGCAGCCGGGTGCCGGGGGCACCCCGG-3'
Protein context (NP_001457.1, residues 151-171): VGQNHSEDGA[Pro161Ser]ALLTTAPPPG